The following is an entry in ClinVar:

ClinVar aggregate classification (germline): Uncertain significance. Review status: criteria provided, multiple submitters, no conflicts (2 of 4 stars). 4 submissions from 4 submitters: Uncertain significance (4). Last evaluated 2026-03-30.

Conditions:
Cardiovascular phenotype. Identifiers: MedGen CN230736.
Hereditary cancer-predisposing syndrome. Also called: Neoplastic Syndromes, Hereditary; Hereditary neoplastic syndrome; Tumor predisposition; Hereditary Cancer Syndrome. Identifiers: Orphanet 140162, MedGen C0027672, MeSH D009386, MONDO:0015356.

gnomAD v4.1: 7 of 1,614,166 alleles (0.00043%); highest among the groups gnomAD compares: Admixed American, 0.0017%; no homozygotes.

Submissions (4):

Dasa
Classification: Uncertain significance. Last evaluated: 2026-03-30. Review status: criteria provided, single submitter. Criteria: DASA Assertion Criteria. Collection method: clinical testing. Allele origin: germline.
Comment: NM_006767.4(LZTR1):c.352C>T (p.Arg118Cys) is a missense variant that results in the substitution of arginine with cysteine. The affected residue or protein region has prior evidence supporting clinical relevance. This variant is rare in population databases. Computational prediction algorithms are consistent with a deleterious effect. The currently available literature and clinical evidence are not sufficient to establish a definitive association between this variant and the reported condition. Therefore, this variant is classified as a variant of uncertain significance.

Labcorp Genetics (formerly Invitae), Labcorp
Classification: Uncertain significance. Last evaluated: 2026-01-12. Review status: criteria provided, single submitter. Criteria: Invitae Variant Classification Sherloc (09022015). Collection method: clinical testing. Allele origin: germline.
Comment: This sequence change replaces arginine, which is basic and polar, with cysteine, which is neutral and slightly polar, at codon 118 of the LZTR1 protein (p.Arg118Cys). This variant is present in population databases (no rsID available, gnomAD 0.003%). This variant has not been reported in the literature in individuals affected with LZTR1-related conditions. ClinVar contains an entry for this variant (Variation ID: 1493676). Invitae Evidence Modeling of protein sequence and biophysical properties (such as structural, functional, and spatial information, amino acid conservation, physicochemical variation, residue mobility, and thermodynamic stability) indicates that this missense variant is not expected to disrupt LZTR1 protein function with a negative predictive value of 80%. In summary, the available evidence is currently insufficient to determine the role of this variant in disease. Therefore, it has been classified as a Variant of Uncertain Significance.

Ambry Genetics
Classification: Uncertain significance for Cardiovascular phenotype; Hereditary cancer-predisposing syndrome. Last evaluated: 2025-10-02. Review status: criteria provided, single submitter. Criteria: Ambry Variant Classification Scheme 2023. Collection method: clinical testing. Allele origin: germline.
Comment: The p.R118C variant (also known as c.352C>T), located in coding exon 4 of the LZTR1 gene, results from a C to T substitution at nucleotide position 352. The arginine at codon 118 is replaced by cysteine, an amino acid with highly dissimilar properties. This amino acid position is highly conserved in available vertebrate species. In addition, this alteration is predicted to be deleterious by in silico analysis. Based on the available evidence, the clinical significance of this variant remains unclear.

Women's Health and Genetics/Laboratory Corporation of America, LabCorp
Classification: Uncertain significance. Last evaluated: 2024-07-22. Review status: criteria provided, single submitter. Criteria: LabCorp Variant Classification Summary - May 2015. Collection method: clinical testing. Allele origin: germline.
Comment: Variant summary: LZTR1 c.352C>T (p.Arg118Cys) results in a non-conservative amino acid change in the encoded protein sequence. Five of five in-silico tools predict a damaging effect of the variant on protein function. The variant allele was found at a frequency of 4e-06 in 251070 control chromosomes. The available data on variant occurrences in the general population are insufficient to allow any conclusion about variant significance. To our knowledge, no occurrence of c.352C>T in individuals affected with LZTR1-related conditions and no experimental evidence demonstrating its impact on protein function have been reported. ClinVar contains an entry for this variant (Variation ID: 1493676). Based on the evidence outlined above, the variant was classified as uncertain significance.

NM_006767.4(LZTR1):c.352C>T (p.Arg118Cys)

Gene: LZTR1 (leucine zipper like post translational regulator 1; plus strand). Cytogenetic location: 22q11.21.
Variant type: single nucleotide variant.
Coding change: c.352C>T on transcript NM_006767.4 (MANE Select); coding-DNA position 352, C replaced by T.
Protein change: p.Arg118Cys; replaces arginine 118 with cysteine.
Molecular consequence: missense variant.
Genome position (GRCh38, 1-based): chr22:20,987,535, C>T. VCF-style: chr22-20987535-C-T. GRCh37 (hg19) VCF-style: chr22-21341824-C-T.
Other names: c.352C>T (NM_006767.3); short protein forms R118C.
Identifiers: ClinVar variation 1493676 (VCV001493676.14), dbSNP rs749587390, ClinGen allele CA410779316.